The following is an entry in ClinVar:

ClinVar aggregate classification (germline): Benign/Likely benign. Review status: criteria provided, multiple submitters, no conflicts (2 of 4 stars). 2 submissions from 2 submitters: Benign (1); Likely benign (1). Last evaluated 2026-01-26.

Conditions:
Brachyolmia-amelogenesis imperfecta syndrome. Also called: PLATYSPONDYLY WITH AMELOGENESIS IMPERFECTA; Tooth agenesis, selective, 6; Dental anomalies and short stature. Identifiers: Orphanet 2899, MedGen C1832594, MONDO:0011018, OMIM 601216. Disease mechanism: loss of function.
LTBP3-related disorder. Also called: LTBP3-related condition.

Allele frequency attached by ClinVar (database versions not stated): gnomAD exomes 0.00007 and 0.00027; ExAC 0.00027; 1000 Genomes Project 30x 0.00031; 1000 Genomes Project 0.00040.
gnomAD v4.1: 120 of 1,608,158 alleles (0.0075%); highest among the groups gnomAD compares: East Asian, 0.24%; no homozygotes.

Submissions (2):

Labcorp Genetics (formerly Invitae), Labcorp
Classification: Benign for Brachyolmia-amelogenesis imperfecta syndrome. Last evaluated: 2026-01-26. Review status: criteria provided, single submitter. Criteria: Invitae Variant Classification Sherloc (09022015). Collection method: clinical testing. Allele origin: germline.

PreventionGenetics, part of Exact Sciences
Classification: Likely benign for LTBP3-related condition. Last evaluated: 2025-06-05. Review status: criteria provided, single submitter. Criteria: ACMG Guidelines, 2015. Collection method: clinical testing. Allele origin: germline.
Comment: This variant is classified as likely benign based on ACMG/AMP sequence variant interpretation guidelines (Richards et al. 2015 PMID: 25741868, with internal and published modifications).

NM_001130144.3(LTBP3):c.331+10G>A

Gene: LTBP3 (latent transforming growth factor beta binding protein 3; minus strand). Cytogenetic location: 11q13.1.
Variant type: single nucleotide variant.
Coding change: c.331+10G>A on transcript NM_001130144.3 (MANE Select); 10 bases into the intron after coding-DNA position 331, G replaced by A.
Molecular consequence: intron variant.
Genome position (GRCh38, 1-based): chr11:65,557,619, C>T on the plus strand (G>A on the coding strand, the complement: LTBP3 is on the minus strand). VCF-style: chr11-65557619-C-T. GRCh37 (hg19) VCF-style: chr11-65325090-C-T.
Other names: c.-21+14G>A (NM_001164266.1); c.331+10G>A (NM_021070.4, NM_001130144.2).
Identifiers: ClinVar variation 1169608 (VCV001169608.10), dbSNP rs199896239, ClinGen allele CA6101268.